The following is an entry in ClinVar:

ClinVar aggregate classification (germline): Benign. Review status: criteria provided, multiple submitters, no conflicts (2 of 4 stars). 3 submissions from 3 submitters: Benign (3). Last evaluated 2026-06-01.

Conditions:
Mendelian susceptibility to mycobacterial diseases due to complete IL12RB1 deficiency. Also called: IL12RB1 DEFICIENCY; Immunodeficiency 30. Identifiers: Orphanet 319552, MedGen C4013949, MONDO:0013955, OMIM 614891.

Allele frequency attached by ClinVar (database versions not stated): 1000 Genomes Project 30x 0.00359; 1000 Genomes Project 0.00379; TOPMed 0.00530; ESP Exome Variant Server 0.00577; gnomAD 0.00605 and 0.00606.
gnomAD v4.1: 13,905 of 1,613,976 alleles (0.86%); highest among the groups gnomAD compares: Non-Finnish European, 1%; 79 homozygotes.

Submissions (3):

CeGaT Center for Human Genetics Tuebingen
Classification: Benign. Last evaluated: 2026-06-01. Review status: criteria provided, single submitter. Criteria: CeGaT Center For Human Genetics Tuebingen Variant Classification Criteria Version 2. Collection method: clinical testing. Allele origin: germline. Affected: yes. Observed: 8 variant alleles.
Comment: IL12RB1: BP4, BS1, BS2

Labcorp Genetics (formerly Invitae), Labcorp
Classification: Benign for Mendelian susceptibility to mycobacterial diseases due to complete IL12RB1 deficiency. Last evaluated: 2026-02-01. Review status: criteria provided, single submitter. Criteria: Invitae Variant Classification Sherloc (09022015). Collection method: clinical testing. Allele origin: germline.

Illumina Laboratory Services, Illumina
Classification: Benign for Mendelian susceptibility to mycobacterial diseases due to complete IL12RB1 deficiency. Last evaluated: 2017-04-27. Review status: criteria provided, single submitter. Criteria: ICSL Variant Classification Criteria 13 December 2019. Collection method: clinical testing. Allele origin: germline.
Comment: This variant was observed as part of a predisposition screen in an ostensibly healthy population. A literature search was performed for the gene, cDNA change, and amino acid change (where applicable). No publications were found based on this search. Allele frequency data from public databases was too high to be consistent with this variant causing disease. Therefore, this variant is classified as benign.

NM_005535.3(IL12RB1):c.848G>A (p.Arg283Gln)

Gene: IL12RB1 (interleukin 12 receptor subunit beta 1; minus strand). Cytogenetic location: 19p13.11.
Variant type: single nucleotide variant.
Coding change: c.848G>A on transcript NM_005535.3 (MANE Select); coding-DNA position 848, G replaced by A.
Protein change: p.Arg283Gln; replaces arginine 283 with glutamine.
Molecular consequence: missense variant.
Genome position (GRCh38, 1-based): chr19:18,072,285, C>T on the plus strand (G>A on the coding strand, the complement: IL12RB1 is on the minus strand). VCF-style: chr19-18072285-C-T. GRCh37 (hg19) VCF-style: chr19-18183095-C-T.
Other names: c.848G>A, p.Arg283Gln (NM_001290023.2, NM_153701.3); c.968G>A, p.Arg323Gln (NM_001290024.2); short protein forms R283Q, R323Q.
Identifiers: ClinVar variation 474979 (VCV000474979.45), dbSNP rs117511121, ClinGen allele CA9305044.